The following is an entry in ClinVar:

ClinVar aggregate classification (germline): Uncertain significance (1 of 4 stars; one submission).

Conditions:
Epidermolysis bullosa simplex 3, localized or generalized intermediate, with BP230 deficiency (EBS3). Also called: Epidermolysis bullosa simplex due to BP230 deficiency; Epidermolysis bullosa simplex, autosomal recessive 2. Identifiers: Orphanet 412181, MedGen C3809470, MONDO:0014180, OMIM 615425.
Hereditary sensory and autonomic neuropathy type 6. Also called: Neuropathy, hereditary sensory and autonomic, type VI; HSAN VI. Identifiers: Orphanet 314381, MedGen C3539003, MONDO:0013839, OMIM 614653.

Submission:

Labcorp Genetics (formerly Invitae), Labcorp
Classification: Uncertain significance for Epidermolysis bullosa simplex 3, localized or generalized intermediate, with BP230 deficiency; Hereditary sensory and autonomic neuropathy type 6. Last evaluated: 2022-11-22. Review status: criteria provided, single submitter. Criteria: Invitae Variant Classification Sherloc (09022015). Collection method: clinical testing. Allele origin: germline.
Comment: Algorithms developed to predict the effect of missense changes on protein structure and function (SIFT, PolyPhen-2, Align-GVGD) all suggest that this variant is likely to be tolerated. In summary, the available evidence is currently insufficient to determine the role of this variant in disease. Therefore, it has been classified as a Variant of Uncertain Significance. This variant has not been reported in the literature in individuals affected with DST-related conditions. This variant is not present in population databases (gnomAD no frequency). This sequence change replaces threonine, which is neutral and polar, with serine, which is neutral and polar, at codon 1416 of the DST protein (p.Thr1416Ser).

NM_001723.7(DST):c.4246A>T (p.Thr1416Ser)

Gene: DST (dystonin; minus strand). Cytogenetic location: 6p12.1.
Variant type: single nucleotide variant.
Coding change: c.4246A>T on transcript NM_001723.7 (MANE Plus Clinical); coding-DNA position 4246, A replaced by T.
Protein change: p.Thr1416Ser; replaces threonine 1416 with serine.
Molecular consequence: missense variant. On other transcripts: intron variant (10).
Genome position (GRCh38, 1-based): chr6:56,619,788, T>A on the plus strand (A>T on the coding strand, the complement: DST is on the minus strand). VCF-style: chr6-56619788-T-A. GRCh37 (hg19) VCF-style: chr6-56484586-T-A.
Other names: c.4830+4742A>T (NM_001144769.5); c.4929+4742A>T (NM_001374722.1, NM_001374736.1); c.4956+4742A>T (NM_001374734.1); c.4416+4742A>T (NM_001144770.2); c.4296+4742A>T (NM_001374730.1, NM_001386100.1, NM_183380.4 and 1 more transcripts); c.3318+4742A>T (NM_015548.5); short protein forms T1416S.
Identifiers: ClinVar variation 1500656 (VCV001500656.6), dbSNP rs1356877887, ClinGen allele CA364570105.